The following is an entry in ClinVar:

NM_006204.4(PDE6C):c.1580G>A (p.Arg527Gln)

Gene: PDE6C (phosphodiesterase 6C; plus strand). Cytogenetic location: 10q23.33.
Variant type: single nucleotide variant.
Coding change: c.1580G>A on transcript NM_006204.4 (MANE Select); coding-DNA position 1580, G replaced by A.
Protein change: p.Arg527Gln; replaces arginine 527 with glutamine.
Molecular consequence: missense variant.
Genome position (GRCh38, 1-based): chr10:93,640,167, G>A. VCF-style: chr10-93640167-G-A. GRCh37 (hg19) VCF-style: chr10-95399924-G-A.
Other names: short protein forms R527Q.
Identifiers: ClinVar variation 301634 (VCV000301634.11), dbSNP rs554790963, ClinGen allele CA5610234.

ClinVar aggregate classification (germline): Uncertain significance. Review status: criteria provided, multiple submitters, no conflicts (2 of 4 stars). 5 submissions from 4 submitters: Uncertain significance (5). Last evaluated 2024-01-19.

Conditions:
Inborn genetic diseases. Identifiers: MedGen C0950123, MeSH D030342.
Achromatopsia. Also called: Rod monochromatism. Identifiers: Orphanet 49382, MedGen C0152200, MONDO:0018852, HP:0011516.
Cone dystrophy 4 (COD4). Identifiers: Orphanet 49382, MedGen C2751308, MONDO:0013129, OMIM 613093.

Allele frequency attached by ClinVar (database versions not stated): gnomAD exomes 0.00004 and 0.00006; ExAC 0.00005; gnomAD 0.00006; TOPMed 0.00006; 1000 Genomes Project 30x 0.00016; 1000 Genomes Project 0.00020.
gnomAD v4.1: 74 of 1,613,438 alleles (0.0046%); highest among the groups gnomAD compares: African/African-American, 0.013%; no homozygotes.

Submissions (5):

Ambry Genetics
Classification: Uncertain significance for Inborn genetic diseases. Last evaluated: 2024-01-19. Review status: criteria provided, single submitter. Criteria: Ambry Variant Classification Scheme 2023. Collection method: clinical testing. Allele origin: germline.

Labcorp Genetics (formerly Invitae), Labcorp
Classification: Uncertain significance. Last evaluated: 2022-10-13. Review status: criteria provided, single submitter. Criteria: Invitae Variant Classification Sherloc (09022015). Collection method: clinical testing. Allele origin: germline.
Comment: This sequence change replaces arginine, which is basic and polar, with glutamine, which is neutral and polar, at codon 527 of the PDE6C protein (p.Arg527Gln). This variant is present in population databases (rs554790963, gnomAD 0.04%). This variant has not been reported in the literature in individuals affected with PDE6C-related conditions. ClinVar contains an entry for this variant (Variation ID: 301634). Algorithms developed to predict the effect of missense changes on protein structure and function output the following: SIFT: "Tolerated"; PolyPhen-2: "Benign"; Align-GVGD: "Class C0". The glutamine amino acid residue is found in multiple mammalian species, which suggests that this missense change does not adversely affect protein function. In summary, the available evidence is currently insufficient to determine the role of this variant in disease. Therefore, it has been classified as a Variant of Uncertain Significance.

Blueprint Genetics
Classification: Uncertain significance. Last evaluated: 2022-09-14. Review status: criteria provided, single submitter. Criteria: ACMG Guidelines, 2015. Collection method: clinical testing. Allele origin: germline.

Illumina Laboratory Services, Illumina
Classification: Uncertain significance for Cone dystrophy 4. Last evaluated: 2018-01-13. Review status: criteria provided, single submitter. Criteria: ICSL Variant Classification Criteria 13 December 2019. Collection method: clinical testing. Allele origin: germline.

Illumina Laboratory Services, Illumina
Classification: Uncertain significance for Achromatopsia. Last evaluated: 2018-01-13. Review status: criteria provided, single submitter. Criteria: ICSL Variant Classification Criteria 13 December 2019. Collection method: clinical testing. Allele origin: germline.